The following is an entry in ClinVar:

ClinVar aggregate classification (germline): Likely benign (0 of 4 stars; one submission).

Conditions:
OTUD1-related disorder. Also called: OTUD1-related condition.

Allele frequency attached by ClinVar (database versions not stated): TOPMed 0.00016; gnomAD 0.00017; gnomAD exomes 0.00066.
gnomAD v4.1: 684 of 1,156,340 alleles (0.059%); highest among the groups gnomAD compares: Non-Finnish European, 0.07%; 2 homozygotes.

Submission:

PreventionGenetics, part of Exact Sciences
Classification: Likely benign for OTUD1-related condition. Last evaluated: 2019-06-27. Review status: no assertion criteria provided. Collection method: clinical testing. Allele origin: germline.
Comment: This variant is classified as likely benign based on ACMG/AMP sequence variant interpretation guidelines (Richards et al. 2015 PMID: 25741868, with internal and published modifications).

NM_001145373.3(OTUD1):c.309G>A (p.Pro103=)

Genes: OTUD1 (OTU deubiquitinase 1; plus strand), LOC130003513 (ATAC-STARR-seq lymphoblastoid silent region 2218; plus strand). Cytogenetic location: 10p12.2.
Variant type: single nucleotide variant.
Coding change: c.309G>A on transcript NM_001145373.3 (MANE Select); coding-DNA position 309, G replaced by A.
Protein change: p.Pro103=; no amino-acid change (proline 103 retained).
Molecular consequence: synonymous variant.
Genome position (GRCh38, 1-based): chr10:23,439,766, G>A. VCF-style: chr10-23439766-G-A. GRCh37 (hg19) VCF-style: chr10-23728695-G-A.
Identifiers: ClinVar variation 3042708 (VCV003042708.2), dbSNP rs978602029, ClinGen allele CA204763291.